The following is an entry in ClinVar:

ClinVar aggregate classification (germline): Uncertain significance (1 of 4 stars; one submission).

Conditions:
Autosomal recessive limb-girdle muscular dystrophy type R18 (LGMDR18). Also called: Limb-girdle muscular dystrophy, type 2S; MUSCULAR DYSTROPHY, LIMB-GIRDLE, AUTOSOMAL RECESSIVE 18; Autosomal recessive limb-girdle muscular dystrophy type 2S. Identifiers: Orphanet 369840, MedGen C4517996, MONDO:0014144, OMIM 615356.

Submission:

Labcorp Genetics (formerly Invitae), Labcorp
Classification: Uncertain significance for Autosomal recessive limb-girdle muscular dystrophy type R18. Last evaluated: 2018-08-26. Review status: criteria provided, single submitter. Criteria: Invitae Variant Classification Sherloc (09022015). Collection method: clinical testing. Allele origin: germline.
Comment: In summary, the available evidence is currently insufficient to determine the role of this variant in disease. Therefore, it has been classified as a Variant of Uncertain Significance. Nucleotide substitutions within the consensus splice site are a relatively common cause of aberrant splicing (PMID: 17576681, 9536098). Algorithms developed to predict the effect of sequence changes on RNA splicing suggest that this variant is not likely to affect RNA splicing, but this prediction has not been confirmed by published transcriptional studies. This variant has not been reported in the literature in individuals with TRAPPC11-related disease. This variant is not present in population databases (ExAC no frequency). This sequence change falls in intron 10 of the TRAPPC11 gene. It does not directly change the encoded amino acid sequence of the TRAPPC11 protein, but it affects a nucleotide within the consensus splice site of the intron.

Literature cited by the submitters: PubMed 17576681; PubMed 9536098.

NM_021942.6(TRAPPC11):c.1114-3C>T

Gene: TRAPPC11 (trafficking protein particle complex subunit 11; plus strand). Cytogenetic location: 4q35.1.
Variant type: single nucleotide variant.
Coding change: c.1114-3C>T on transcript NM_021942.6 (MANE Select); 3 bases into the intron before coding-DNA position 1114, C replaced by T.
Molecular consequence: intron variant.
Genome position (GRCh38, 1-based): chr4:183,682,729, C>T. VCF-style: chr4-183682729-C-T. GRCh37 (hg19) VCF-style: chr4-184603882-C-T.
Other names: c.1114-3C>T (NM_199053.3).
Identifiers: ClinVar variation 657743 (VCV000657743.9), dbSNP rs1579187262, ClinGen allele CA915943239.